The following is an entry in ClinVar:

NM_017641.3(KIF21A):c.-313G>A

Gene: KIF21A (kinesin family member 21A; minus strand). Cytogenetic location: 12q12.
Variant type: single nucleotide variant.
Coding change: c.-313G>A on transcript NM_017641.3; 313 bases upstream of the start codon, G replaced by A.
Genome position (GRCh38, 1-based): chr12:39,443,283, C>T on the plus strand (G>A on the coding strand, the complement: KIF21A is on the minus strand). VCF-style: chr12-39443283-C-T. GRCh37 (hg19) VCF-style: chr12-39837085-C-T.
Identifiers: ClinVar variation 308603 (VCV000308603.8), dbSNP rs11835359, ClinGen allele CA10632675.
Genomic context (GRCh38, chr12:39,443,283, plus strand): 5'-GCGGGGACAAAGCGCGCTTGAACGGCGAGCGCGCCTGTGGAGAAGCCAACAGGCCGCCAG[C>T]GGCCTCAGGGCGGCCGGGTGAGTGCGCCCTGCCCCCTCCGGTGGGGACGCGGCCTCCCAG-3'

ClinVar aggregate classification (germline): Benign. Review status: criteria provided, multiple submitters, no conflicts (2 of 4 stars). 2 submissions from 2 submitters: Benign (2). Last evaluated 2018-01-13.

Conditions:
Congenital fibrosis of extraocular muscles type 1. Also called: FEOM1 LOCUS; OPHTHALMOPLEGIA, CONGENITAL; CFEOM3B; BLEPHAROPTOSIS WITH ABSENT EYE MOVEMENTS. Identifiers: MedGen C1851102, MONDO:0021083, OMIM 135700.

Allele frequency attached by ClinVar (database versions not stated): gnomAD 0.06492 and 0.06971; 1000 Genomes Project 30x 0.07776; 1000 Genomes Project 0.07308; TOPMed 0.07315.

Submissions (2):

Illumina Laboratory Services, Illumina
Classification: Benign for Congenital fibrosis of extraocular muscles type 1. Last evaluated: 2018-01-13. Review status: criteria provided, single submitter. Criteria: ICSL Variant Classification Criteria 13 December 2019. Collection method: clinical testing. Allele origin: germline.
Comment: This variant was observed in the ICSL laboratory as part of a predisposition screen in an ostensibly healthy population. It had not been previously curated by ICSL or reported in the Human Gene Mutation Database (HGMD: prior to June 1st, 2018), and was therefore a candidate for classification through an automated scoring system. Utilizing variant allele frequency, disease prevalence and penetrance estimates, and inheritance mode, an automated score was calculated to assess if this variant is too frequent to cause the disease. Based on the score and internal cut-off values, a variant classified as benign is not then subjected to further curation. The score for this variant resulted in a classification of benign for this disease.

Breakthrough Genomics
Classification: Benign. Review status: criteria provided, single submitter. Criteria: ACMG Guidelines, 2015. Collection method: not provided. Allele origin: germline. Inheritance: Autosomal dominant inheritance. Affected: yes.